The following is an entry in ClinVar:

NM_001289125.3(IFNAR2):c.65G>T (p.Ser22Ile)

Genes: IFNAR2 (interferon alpha and beta receptor subunit 2; plus strand), IFNAR2-IL10RB (IFNAR2-IL10RB readthrough; plus strand). Cytogenetic location: 21q22.11.
Variant type: single nucleotide variant.
Coding change: c.65G>T on transcript NM_001289125.3 (MANE Select); coding-DNA position 65, G replaced by T.
Protein change: p.Ser22Ile; replaces serine 22 with isoleucine.
Molecular consequence: missense variant.
Genome position (GRCh38, 1-based): chr21:33,243,682, G>T. VCF-style: chr21-33243682-G-T. GRCh37 (hg19) VCF-style: chr21-34615987-G-T.
Other names: c.65G>T, p.Ser22Ile (NM_000874.5, NM_001289126.2, NM_001289128.2 and 4 more transcripts); c.65G>T (NM_207585.1); short protein forms S22I.
Identifiers: ClinVar variation 1437130 (VCV001437130.5), dbSNP rs143742626, ClinGen allele CA10005528.

ClinVar aggregate classification (germline): Uncertain significance. Review status: criteria provided, multiple submitters, no conflicts (2 of 4 stars). 2 submissions from 2 submitters: Uncertain significance (2). Last evaluated 2025-08-28.

Allele frequency attached by ClinVar (database versions not stated): gnomAD exomes 0.00007; ExAC 0.00010; gnomAD 0.00011; TOPMed 0.00017; 1000 Genomes Project 0.00040; ESP Exome Variant Server 0.00046; 1000 Genomes Project 30x 0.00047.

Submissions (2):

Ambry Genetics
Classification: Uncertain significance. Last evaluated: 2025-08-28. Review status: criteria provided, single submitter. Criteria: Ambry Variant Classification Scheme 2023. Collection method: clinical testing. Allele origin: germline.

Labcorp Genetics (formerly Invitae), Labcorp
Classification: Uncertain significance. Last evaluated: 2022-09-09. Review status: criteria provided, single submitter. Criteria: Invitae Variant Classification Sherloc (09022015). Collection method: clinical testing. Allele origin: germline.
Comment: This sequence change replaces serine, which is neutral and polar, with isoleucine, which is neutral and non-polar, at codon 22 of the IFNAR2 protein (p.Ser22Ile). This variant is present in population databases (rs143742626, gnomAD 0.06%). This variant has not been reported in the literature in individuals affected with IFNAR2-related conditions. ClinVar contains an entry for this variant (Variation ID: 1437130). Algorithms developed to predict the effect of missense changes on protein structure and function output the following: SIFT: "Deleterious"; PolyPhen-2: "Probably Damaging"; Align-GVGD: "Class C0". The isoleucine amino acid residue is found in multiple mammalian species, which suggests that this missense change does not adversely affect protein function. In summary, the available evidence is currently insufficient to determine the role of this variant in disease. Therefore, it has been classified as a Variant of Uncertain Significance.